The following is an entry in ClinVar:

NM_017534.6(MYH2):c.4379C>G (p.Ala1460Gly)

Genes: MYH2 (myosin heavy chain 2; minus strand), MYHAS (myosin heavy chain gene cluster antisense RNA; plus strand), LOC126862500 (BRD4-independent group 4 enhancer GRCh37_chr17:10427829-10429028; plus strand). Cytogenetic location: 17p13.1.
Variant type: single nucleotide variant.
Coding change: c.4379C>G on transcript NM_017534.6 (MANE Select); coding-DNA position 4379, C replaced by G.
Protein change: p.Ala1460Gly; replaces alanine 1460 with glycine.
Molecular consequence: missense variant.
Genome position (GRCh38, 1-based): chr17:10,525,609, G>C on the plus strand (C>G on the coding strand, the complement: MYH2 is on the minus strand). VCF-style: chr17-10525609-G-C. GRCh37 (hg19) VCF-style: chr17-10428926-G-C.
Other names: c.4379C>G, p.Ala1460Gly (NM_001100112.2); short protein forms A1460G.
Identifiers: ClinVar variation 283217 (VCV000283217.18), dbSNP rs148693677, ClinGen allele CA8390636.

ClinVar aggregate classification (germline): Likely benign. Review status: criteria provided, multiple submitters, no conflicts (2 of 4 stars). 4 submissions from 4 submitters: Likely benign (3). 1 of the submissions does not count toward it. Last evaluated 2025-12-19.

Conditions:
MYH2-related disorder. Also called: MYH2-related condition.
Myopathy, proximal, and ophthalmoplegia (CMYO6). Also called: INCLUSION BODY MYOPATHY 3, AUTOSOMAL DOMINANT; CONGENITAL MYOPATHY 6 WITH OPHTHALMOPLEGIA; MYOPATHY WITH CONGENITAL JOINT CONTRACTURES, OPHTHALMOPLEGIA, AND RIMMED VACUOLES. Identifiers: Orphanet 363677, Orphanet 79091, MedGen C1854106, MONDO:0011577, OMIM 605637.

Allele frequency attached by ClinVar (database versions not stated): gnomAD exomes 0.00007 and 0.00029; ExAC 0.00025; TOPMed 0.00093; gnomAD 0.00095 and 0.00099; 1000 Genomes Project 0.00100; 1000 Genomes Project 30x 0.00125; ESP Exome Variant Server 0.00146.

Submissions (4):

Labcorp Genetics (formerly Invitae), Labcorp
Classification: Likely benign for Myopathy, proximal, and ophthalmoplegia. Last evaluated: 2025-12-19. Review status: criteria provided, single submitter. Criteria: Invitae Variant Classification Sherloc (09022015). Collection method: clinical testing. Allele origin: germline.

GeneDx
Classification: Likely benign. Last evaluated: 2021-02-03. Review status: criteria provided, single submitter. Criteria: GeneDx Variant Classification Process June 2021. Collection method: clinical testing. Allele origin: germline. Affected: yes.

Eurofins Ntd Llc (ga)
Classification: Likely benign. Last evaluated: 2015-10-06. Review status: criteria provided, single submitter. Criteria: EGL Classification Definitions 2015. Collection method: clinical testing. Allele origin: germline. Observed: 1 variant allele, 1 heterozygote.

PreventionGenetics, part of Exact Sciences
Classification: Likely benign for MYH2-related condition. Last evaluated: 2022-06-01. Review status: no assertion criteria provided. Collection method: clinical testing. Allele origin: germline. Not counted in ClinVar's aggregate classification.
Comment: This variant is classified as likely benign based on ACMG/AMP sequence variant interpretation guidelines (Richards et al. 2015 PMID: 25741868, with internal and published modifications).